The following is an entry in ClinVar:

ClinVar aggregate classification (germline): Uncertain significance (1 of 4 stars; one submission).

Conditions:
Beta-D-mannosidosis (MANSB). Also called: Beta-Mannosidosis; MANNOSIDOSIS, BETA A, LYSOSOMAL; BETA-MANNOSIDASE DEFICIENCY; LYSOSOMAL BETA-MANNOSIDASE DEFICIENCY. Identifiers: Orphanet 118, MedGen C4048196, MONDO:0009562, OMIM 248510.

Allele frequency attached by ClinVar (database versions not stated): gnomAD exomes 0.00004; ExAC 0.00006; gnomAD 0.00004; ESP Exome Variant Server 0.00015; TOPMed 0.00002.
gnomAD v4.1: 69 of 1,614,004 alleles (0.0043%); highest among the groups gnomAD compares: East Asian, 0.033%; no homozygotes.

Submission:

Labcorp Genetics (formerly Invitae), Labcorp
Classification: Uncertain significance for Beta-D-mannosidosis. Last evaluated: 2022-06-13. Review status: criteria provided, single submitter. Criteria: Invitae Variant Classification Sherloc (09022015). Collection method: clinical testing. Allele origin: germline.
Comment: This sequence change replaces proline, which is neutral and non-polar, with leucine, which is neutral and non-polar, at codon 793 of the MANBA protein (p.Pro793Leu). This variant is present in population databases (rs376410219, gnomAD 0.03%). This variant has not been reported in the literature in individuals affected with MANBA-related conditions. Algorithms developed to predict the effect of missense changes on protein structure and function output the following: SIFT: "Tolerated"; PolyPhen-2: "Benign"; Align-GVGD: "Class C0". The leucine amino acid residue is found in multiple mammalian species, which suggests that this missense change does not adversely affect protein function. In summary, the available evidence is currently insufficient to determine the role of this variant in disease. Therefore, it has been classified as a Variant of Uncertain Significance.

NM_005908.4(MANBA):c.2378C>T (p.Pro793Leu)

Gene: MANBA (mannosidase beta; minus strand). Cytogenetic location: 4q24.
Variant type: single nucleotide variant.
Coding change: c.2378C>T on transcript NM_005908.4 (MANE Select); coding-DNA position 2378, C replaced by T.
Protein change: p.Pro793Leu; replaces proline 793 with leucine.
Molecular consequence: missense variant.
Genome position (GRCh38, 1-based): chr4:102,634,825, G>A on the plus strand (C>T on the coding strand, the complement: MANBA is on the minus strand). VCF-style: chr4-102634825-G-A. GRCh37 (hg19) VCF-style: chr4-103555982-G-A.
Other names: short protein forms P793L.
Identifiers: ClinVar variation 1465708 (VCV001465708.3), dbSNP rs376410219, ClinGen allele CA3026642.